The following is an entry in ClinVar:

ClinVar aggregate classification (germline): Likely pathogenic (1 of 4 stars; one submission).

Conditions:
Hereditary cancer-predisposing syndrome. Also called: Neoplastic Syndromes, Hereditary; Tumor predisposition; Hereditary Cancer Syndrome; Hereditary neoplastic syndrome. Identifiers: Orphanet 140162, MedGen C0027672, MeSH D009386, MONDO:0015356.

Submission:

Ambry Genetics
Classification: Likely pathogenic for Hereditary cancer-predisposing syndrome. Last evaluated: 2017-03-22. Review status: criteria provided, single submitter. Criteria: Ambry Variant Classification Scheme 2023. Collection method: clinical testing. Allele origin: germline.
Comment: The p.M561R variant (also known as c.1682T>G), located in coding exon 9 of the MEN1 gene, results from a T to G substitution at nucleotide position 1682. The methionine at codon 561 is replaced by arginine, an amino acid with similar properties. This variant was absent from population-based cohorts in the NHLBI Exome Sequencing Project (ESP) and 1000 Genomes Project databases. This amino acid position is highly conserved in available vertebrate species. Based on internal structural analysis, this variant is expected to be more disruptive than other known pathogenic MEN1 alterations nearby (Huang J et al. Nature, 2012 Feb;482:542-6). In addition, this alteration is predicted to be deleterious by in silico analysis. Based on the majority of available evidence to date, this variant is likely to be pathogenic.

Literature cited by the submitters: PubMed 22327296; PubMed 26424307.

NM_001370259.2(MEN1):c.1682T>G (p.Met561Arg)

Gene: MEN1 (menin 1; minus strand). Cytogenetic location: 11q13.1.
Variant type: single nucleotide variant.
Coding change: c.1682T>G on transcript NM_001370259.2 (MANE Select); coding-DNA position 1682, T replaced by G.
Protein change: p.Met561Arg; replaces methionine 561 with arginine.
Molecular consequence: missense variant.
Genome position (GRCh38, 1-based): chr11:64,804,485, A>C on the plus strand (T>G on the coding strand, the complement: MEN1 is on the minus strand). VCF-style: chr11-64804485-A-C. GRCh37 (hg19) VCF-style: chr11-64571957-A-C.
Other names: c.1697T>G, p.Met566Arg (NM_000244.4, NM_001407145.1, NM_130800.3 and 4 more transcripts); c.1808T>G, p.Met603Arg (NM_001370251.2, NM_001407142.1, NM_001407143.1 and 1 more transcripts); c.1682T>G, p.Met561Arg (NM_001370260.2, NM_001370261.2, NM_001407146.1 and 2 more transcripts); c.1577T>G, p.Met526Arg (NM_001370262.2, NM_001370263.2, NM_001407148.1 and 1 more transcripts); c.1823T>G, p.Met608Arg (NM_001407150.1); c.1703T>G, p.Met568Arg (NM_001407151.1); c.1517T>G, p.Met506Arg (NM_001407152.1); short protein forms M568R, M506R, M526R, M566R, M561R, M608R, M603R.
Identifiers: ClinVar variation 1777944 (VCV001777944.2), dbSNP rs1941501393, ClinGen allele CA381177713.